The following is an entry in ClinVar:

ClinVar aggregate classification (germline): Uncertain significance (1 of 4 stars; one submission).

Conditions:
Brugada syndrome. Also called: Sudden unexpected nocturnal death syndrome; Sudden Unexplained Death Syndrome; Sudden Unexplained Nocturnal Death Syndrome (SUNDS); Sudden unexplained nocturnal death syndrome. Identifiers: Orphanet 130, MedGen C1142166, MONDO:0015263.

Allele frequency attached by ClinVar (database versions not stated): ExAC 0.00002; gnomAD 0.00005; gnomAD exomes 0.00006; ESP Exome Variant Server 0.00008; TOPMed 0.00006.
gnomAD v4.1: 98 of 1,597,956 alleles (0.0061%); highest among the groups gnomAD compares: Non-Finnish European, 0.0081%; no homozygotes.

Submission:

Labcorp Genetics (formerly Invitae), Labcorp
Classification: Uncertain significance for Brugada syndrome. Last evaluated: 2025-11-04. Review status: criteria provided, single submitter. Criteria: Invitae Variant Classification Sherloc (09022015). Collection method: clinical testing. Allele origin: germline.
Comment: This sequence change replaces valine, which is neutral and non-polar, with isoleucine, which is neutral and non-polar, at codon 141 of the SLMAP protein (p.Val141Ile). This variant is present in population databases (rs143315729, gnomAD 0.006%). This missense change has been observed in individual(s) with arrhythmia (PMID: 30847666). ClinVar contains an entry for this variant (Variation ID: 2706983). An algorithm developed to predict the effect of missense changes on protein structure and function (PolyPhen-2) suggests that this variant is likely to be disruptive. In summary, the available evidence is currently insufficient to determine the role of this variant in disease. Therefore, it has been classified as a Variant of Uncertain Significance.

Literature cited by the submitters: PubMed 30847666.

NM_001377540.1(SLMAP):c.421G>A (p.Val141Ile)

Gene: SLMAP (sarcolemma associated protein; plus strand). Cytogenetic location: 3p14.3.
Variant type: single nucleotide variant.
Coding change: c.421G>A on transcript NM_001377540.1 (MANE Select); coding-DNA position 421, G replaced by A.
Protein change: p.Val141Ile; replaces valine 141 with isoleucine.
Molecular consequence: missense variant. On other transcripts: non-coding transcript variant (1).
Genome position (GRCh38, 1-based): chr3:57,847,198, G>A. VCF-style: chr3-57847198-G-A. GRCh37 (hg19) VCF-style: chr3-57832925-G-A.
Other names: c.421G>A, p.Val141Ile (NM_001304420.3, NM_001304421.2, NM_001377538.1 and 17 more transcripts); short protein forms V141I.
Identifiers: ClinVar variation 2706983 (VCV002706983.3), dbSNP rs143315729, ClinGen allele CA2466818.